The following is an entry in ClinVar:

ClinVar aggregate classification (germline): Uncertain significance. Review status: criteria provided, multiple submitters, no conflicts (2 of 4 stars). 3 submissions from 3 submitters: Uncertain significance (2). 1 of the submissions does not count toward it. Last evaluated 2023-12-27.

Conditions:
Retinitis pigmentosa 71 (RP71). Identifiers: Orphanet 791, MedGen C4225342, MONDO:0014618, OMIM 616394.
Bardet-Biedl syndrome 20. Identifiers: MedGen C4310707, MONDO:0023670, OMIM 619471, MONDO:0014926.
Short-rib thoracic dysplasia 10 with or without polydactyly (SRTD10). Identifiers: Orphanet 474, MedGen C3810175, MONDO:0014284, OMIM 615630.
IFT172-related disorder. Also called: IFT172-related disorders; IFT172-related condition.

Allele frequency attached by ClinVar (database versions not stated): gnomAD 0.00001; TOPMed 0.00001; ESP Exome Variant Server 0.00008.

Submissions (3):

Fulgent Genetics
Classification: Uncertain significance for Short-rib thoracic dysplasia 10 with or without polydactyly; Retinitis pigmentosa 71; Bardet-Biedl syndrome 20. Last evaluated: 2023-12-27. Review status: criteria provided, single submitter. Criteria: ACMG Guidelines, 2015. Collection method: clinical testing. Allele origin: germline.

Labcorp Genetics (formerly Invitae), Labcorp
Classification: Uncertain significance for Retinitis pigmentosa 71; Short-rib thoracic dysplasia 10 with or without polydactyly. Last evaluated: 2023-03-11. Review status: criteria provided, single submitter. Criteria: Invitae Variant Classification Sherloc (09022015). Collection method: clinical testing. Allele origin: germline.
Comment: This variant has not been reported in the literature in individuals affected with IFT172-related conditions. This variant is present in population databases (rs145926013, gnomAD 0.007%). This sequence change replaces isoleucine, which is neutral and non-polar, with valine, which is neutral and non-polar, at codon 770 of the IFT172 protein (p.Ile770Val). ClinVar contains an entry for this variant (Variation ID: 1406709). In summary, the available evidence is currently insufficient to determine the role of this variant in disease. Therefore, it has been classified as a Variant of Uncertain Significance. Advanced modeling of protein sequence and biophysical properties (such as structural, functional, and spatial information, amino acid conservation, physicochemical variation, residue mobility, and thermodynamic stability) performed at Invitae indicates that this missense variant is not expected to disrupt IFT172 protein function.

PreventionGenetics, part of Exact Sciences
Classification: Uncertain significance for IFT172-related condition. Last evaluated: 2024-08-16. Review status: no assertion criteria provided. Collection method: clinical testing. Allele origin: germline. Not counted in ClinVar's aggregate classification.
Comment: The IFT172 c.2308A>G variant is predicted to result in the amino acid substitution p.Ile770Val. To our knowledge, this variant has not been reported in the literature. This variant is reported in 0.0065% of alleles in individuals of European (Non-Finnish) descent in gnomAD. At this time, the clinical significance of this variant is uncertain due to the absence of conclusive functional and genetic evidence.

NM_015662.3(IFT172):c.2308A>G (p.Ile770Val)

Gene: IFT172 (intraflagellar transport 172; minus strand). Cytogenetic location: 2p23.3.
Variant type: single nucleotide variant.
Coding change: c.2308A>G on transcript NM_015662.3 (MANE Select); coding-DNA position 2308, A replaced by G.
Protein change: p.Ile770Val; replaces isoleucine 770 with valine.
Molecular consequence: missense variant.
Genome position (GRCh38, 1-based): chr2:27,461,403, T>C on the plus strand (A>G on the coding strand, the complement: IFT172 is on the minus strand). VCF-style: chr2-27461403-T-C. GRCh37 (hg19) VCF-style: chr2-27684270-T-C.
Other names: c.2308A>G (NM_015662.2); short protein forms I770V.
Identifiers: ClinVar variation 1406709 (VCV001406709.9), dbSNP rs145926013, ClinGen allele CA44498043.